The following is an entry in ClinVar:

ClinVar aggregate classification (germline): Uncertain significance. Review status: criteria provided, multiple submitters, no conflicts (2 of 4 stars). 8 submissions from 6 submitters: Uncertain significance (7). 1 of the submissions does not count toward it. Last evaluated 2026-03-01.

Conditions:
Age related macular degeneration 5. Identifiers: MedGen C3151063, MONDO:0013409, OMIM 613761.
Cerebrooculofacioskeletal syndrome 1 (COFS1). Also called: Cerebro-oculo-facio-skeletal syndrome 1. Identifiers: MedGen C0220722, MONDO:0008955, OMIM 214150.
Cockayne syndrome type 2 (CSB). Also called: COCKAYNE SYNDROME B; Cockayne Syndrome, Type II. Identifiers: Orphanet 191, Orphanet 90322, MedGen C0751038, MONDO:0019570, OMIM 133540.
DE SANCTIS-CACCHIONE SYNDROME. Identifiers: MedGen C0265201, MONDO:0010217, OMIM 278800.
Inborn genetic diseases. Identifiers: MedGen C0950123, MeSH D030342.

Allele frequency attached by ClinVar (database versions not stated): gnomAD 0.00001; gnomAD exomes 0.00003 and 0.00004; TOPMed 0.00004; ExAC 0.00005; ESP Exome Variant Server 0.00008.
gnomAD v4.1: 40 of 1,603,224 alleles (0.0025%); highest among the groups gnomAD compares: South Asian, 0.019%; no homozygotes.

Submissions (8):

GeneDx
Classification: Uncertain significance. Last evaluated: 2026-03-01. Review status: criteria provided, single submitter. Criteria: GeneDx Variant Classification Process June 2021. Collection method: clinical testing. Allele origin: germline.
Comment: In silico analysis supports that this missense variant has a deleterious effect on protein structure/function; Has not been previously published as pathogenic or benign to our knowledge; In silico analysis is inconclusive as to whether the variant alters gene splicing. In the absence of RNA/functional studies, the actual effect of this sequence change is unknown.

Ambry Genetics
Classification: Uncertain significance for Inborn genetic diseases. Last evaluated: 2025-04-17. Review status: criteria provided, single submitter. Criteria: Ambry Variant Classification Scheme 2023. Collection method: clinical testing. Allele origin: germline.

Revvity Omics, Revvity
Classification: Uncertain significance. Last evaluated: 2019-10-03. Review status: criteria provided, single submitter. Criteria: ACMG Guidelines, 2015. Collection method: clinical testing. Allele origin: germline.

Baylor Genetics
Classification: Uncertain significance for Cerebrooculofacioskeletal syndrome 1. Last evaluated: 2018-09-25. Review status: criteria provided, single submitter. Criteria: ACMG Guidelines, 2015. Collection method: clinical testing. Allele origin: paternal. Affected: yes.
Comment: This variant was determined to be of uncertain significance according to ACMG Guidelines, 2015 [PMID:25741868].

Illumina Laboratory Services, Illumina
Classification: Uncertain significance for Cerebrooculofacioskeletal syndrome 1. Last evaluated: 2018-01-13. Review status: criteria provided, single submitter. Criteria: ICSL Variant Classification Criteria 13 December 2019. Collection method: clinical testing. Allele origin: germline.

Illumina Laboratory Services, Illumina
Classification: Uncertain significance for Cockayne syndrome type 2. Last evaluated: 2018-01-13. Review status: criteria provided, single submitter. Criteria: ICSL Variant Classification Criteria 13 December 2019. Collection method: clinical testing. Allele origin: germline.

Illumina Laboratory Services, Illumina
Classification: Uncertain significance for Age related macular degeneration 5. Last evaluated: 2018-01-13. Review status: criteria provided, single submitter. Criteria: ICSL Variant Classification Criteria 13 December 2019. Collection method: clinical testing. Allele origin: germline.

Counsyl
Classification: Uncertain significance for Cockayne syndrome type 2; Cerebrooculofacioskeletal syndrome 1; DE SANCTIS-CACCHIONE SYNDROME. Last evaluated: 2017-11-29. Review status: no assertion criteria provided. Collection method: clinical testing. Allele origin: unknown. Not counted in ClinVar's aggregate classification.

NM_000124.4(ERCC6):c.2696C>T (p.Thr899Met)

Gene: ERCC6 (ERCC excision repair 6, chromatin remodeling factor; minus strand). Cytogenetic location: 10q11.23.
Variant type: single nucleotide variant.
Coding change: c.2696C>T on transcript NM_000124.4 (MANE Select); coding-DNA position 2696, C replaced by T.
Protein change: p.Thr899Met; replaces threonine 899 with methionine.
Molecular consequence: missense variant.
Genome position (GRCh38, 1-based): chr10:49,473,490, G>A on the plus strand (C>T on the coding strand, the complement: ERCC6 is on the minus strand). VCF-style: chr10-49473490-G-A. GRCh37 (hg19) VCF-style: chr10-50681536-G-A.
Other names: c.2696C>T, p.Thr899Met (NM_001346440.2); short protein forms T899M.
Identifiers: ClinVar variation 300061 (VCV000300061.11), dbSNP rs374470147, ClinGen allele CA5495581.